The following is an entry in ClinVar:

NM_006440.5(TXNRD2):c.745C>T (p.Arg249Cys)

Gene: TXNRD2 (thioredoxin reductase 2; minus strand). Cytogenetic location: 22q11.21.
Variant type: single nucleotide variant.
Coding change: c.745C>T on transcript NM_006440.5 (MANE Select); coding-DNA position 745, C replaced by T.
Protein change: p.Arg249Cys; replaces arginine 249 with cysteine.
Molecular consequence: missense variant. On other transcripts: non-coding transcript variant (1).
Genome position (GRCh38, 1-based): chr22:19,898,068, G>A on the plus strand (C>T on the coding strand, the complement: TXNRD2 is on the minus strand). VCF-style: chr22-19898068-G-A. GRCh37 (hg19) VCF-style: chr22-19885591-G-A.
Other names: c.745C>T, p.Arg249Cys (NM_001282512.3); c.742C>T, p.Arg248Cys (NM_001352300.2); c.655C>T, p.Arg219Cys (NM_001352301.2); c.457C>T, p.Arg153Cys (NM_001352302.2); c.649C>T, p.Arg217Cys (NM_001352303.2); short protein forms R249C, R217C, R219C, R248C, R153C.
Identifiers: ClinVar variation 390757 (VCV000390757.17), dbSNP rs557142042, ClinGen allele CA10104002.

ClinVar aggregate classification (germline): Uncertain significance. Review status: criteria provided, multiple submitters, no conflicts (2 of 4 stars). 4 submissions from 4 submitters: Uncertain significance (4). Last evaluated 2025-11-27.

Conditions:
Glucocorticoid deficiency 5. Identifiers: MedGen C4540522, MONDO:0040502, OMIM 617825.
Cardiovascular phenotype. Identifiers: MedGen CN230736.
Primary dilated cardiomyopathy (DCM). Also called: Dilated Cardiomyopathy. Identifiers: Orphanet 217604, MedGen C0007193, MeSH D002311, MONDO:0005021, HP:0001644. Inheritance: Various modes of inheritance.

Allele frequency attached by ClinVar (database versions not stated): gnomAD exomes 0.00005 and 0.00020; gnomAD 0.00009; TOPMed 0.00010; ExAC 0.00023.
gnomAD v4.1: 285 of 1,563,118 alleles (0.018%); highest among the groups gnomAD compares: Non-Finnish European, 0.023%; 1 homozygote.

Submissions (4):

Labcorp Genetics (formerly Invitae), Labcorp
Classification: Uncertain significance for Primary dilated cardiomyopathy. Last evaluated: 2025-11-27. Review status: criteria provided, single submitter. Criteria: Invitae Variant Classification Sherloc (09022015). Collection method: clinical testing. Allele origin: germline.
Comment: This sequence change replaces arginine, which is basic and polar, with cysteine, which is neutral and slightly polar, at codon 249 of the TXNRD2 protein (p.Arg249Cys). The frequency data for this variant in the population databases is considered unreliable, as metrics indicate poor data quality at this position in the gnomAD database. This variant has not been reported in the literature in individuals affected with TXNRD2-related conditions. ClinVar contains an entry for this variant (Variation ID: 390757). Invitae Evidence Modeling of protein sequence and biophysical properties (such as structural, functional, and spatial information, amino acid conservation, physicochemical variation, residue mobility, and thermodynamic stability) indicates that this missense variant is expected to disrupt TXNRD2 protein function with a positive predictive value of 80%. Experimental studies and prediction algorithms are not available or were not evaluated, and the effect of this variant on mRNA splicing is currently unknown. In summary, the available evidence is currently insufficient to determine the role of this variant in disease. Therefore, it has been classified as a Variant of Uncertain Significance.

Ambry Genetics
Classification: Uncertain significance for Cardiovascular phenotype. Last evaluated: 2025-05-14. Review status: criteria provided, single submitter. Criteria: Ambry Variant Classification Scheme 2023. Collection method: clinical testing. Allele origin: germline.
Comment: The p.R249C variant (also known as c.745C>T), located in coding exon 10 of the TXNRD2 gene, results from a C to T substitution at nucleotide position 745. The arginine at codon 249 is replaced by cysteine, an amino acid with highly dissimilar properties. This amino acid position is highly conserved in available vertebrate species. In addition, this alteration is predicted to be deleterious by in silico analysis. Since supporting evidence is limited at this time, the clinical significance of this alteration remains unclear.

GeneDx
Classification: Uncertain significance. Last evaluated: 2024-01-02. Review status: criteria provided, single submitter. Criteria: GeneDx Variant Classification Process June 2021. Collection method: clinical testing. Allele origin: germline. Affected: yes.
Comment: Has not been previously published as pathogenic or benign to our knowledge; In silico analysis supports that this missense variant has a deleterious effect on protein structure/function

Fulgent Genetics
Classification: Uncertain significance for Glucocorticoid deficiency 5. Last evaluated: 2021-10-11. Review status: criteria provided, single submitter. Criteria: ACMG Guidelines, 2015. Collection method: clinical testing. Allele origin: unknown.